The following is an entry in ClinVar:

ClinVar aggregate classification (germline): Conflicting classifications of pathogenicity. Review status: criteria provided, conflicting classifications (1 of 4 stars). 2 submissions from 2 submitters: Uncertain significance (1); Likely benign (1). Last evaluated 2025-07-01.

Allele frequency attached by ClinVar (database versions not stated): ESP Exome Variant Server 0.00009; gnomAD 0.00025; gnomAD exomes 0.00042; ExAC 0.00085.
gnomAD v4.1: 619 of 1,502,618 alleles (0.041%); highest among the groups gnomAD compares: East Asian, 0.13%; 106 homozygotes.

Submissions (2):

CeGaT Center for Human Genetics Tuebingen
Classification: Likely benign. Last evaluated: 2025-07-01. Review status: criteria provided, single submitter. Criteria: CeGaT Center For Human Genetics Tuebingen Variant Classification Criteria Version 2. Collection method: clinical testing. Allele origin: germline. Affected: yes. Observed: 2 variant alleles.
Comment: ZAN: BP4, BS2

Ambry Genetics
Classification: Uncertain significance. Last evaluated: 2024-07-27. Review status: criteria provided, single submitter. Criteria: Ambry Variant Classification Scheme 2023. Collection method: clinical testing. Allele origin: germline.

NM_003386.3(ZAN):c.430C>T (p.Arg144Cys)

Gene: ZAN (zonadhesin; plus strand). Cytogenetic location: 7q22.1.
Variant type: single nucleotide variant.
Coding change: c.430C>T on transcript NM_003386.3 (MANE Select); coding-DNA position 430, C replaced by T.
Protein change: p.Arg144Cys; replaces arginine 144 with cysteine.
Molecular consequence: missense variant. On other transcripts: non-coding transcript variant (3).
Genome position (GRCh38, 1-based): chr7:100,736,985, C>T. VCF-style: chr7-100736985-C-T. GRCh37 (hg19) VCF-style: chr7-100334608-C-T.
Other names: c.430C>T, p.Arg144Cys (NM_173059.3); short protein forms R144C.
Identifiers: ClinVar variation 2349642 (VCV002349642.17), dbSNP rs201467036, ClinGen allele CA4389751.